The following is an entry in ClinVar:

ClinVar aggregate classification (germline): Uncertain significance (1 of 4 stars; one submission).

Conditions:
Hereditary pancreatitis (PCTT). Also called: PRSS1-Related Hereditary Pancreatitis; Hereditary chronic pancreatitis. Identifiers: Orphanet 676, MedGen C0238339, MONDO:0008185, OMIM 167800.

Submission:

Labcorp Genetics (formerly Invitae), Labcorp
Classification: Uncertain significance for Hereditary pancreatitis. Last evaluated: 2016-09-15. Review status: criteria provided, single submitter. Criteria: Invitae Variant Classification Sherloc (09022015). Collection method: clinical testing. Allele origin: germline.
Comment: This variant is a gross duplication of the genomic region encompassing exons 3-5 of the PRSS1 gene. The 5' boundary is likely confined to intron 2. The 3' end of this event is unknown as it extends beyond the assayed region for this gene and therefore may encompass additional genes. A duplication of exons 3-5 in PRSS1 has been reported to segregate with disease in a family with chronic pancreatitis (PMID: 18461367). However, it is unknown if the duplication in this patient is the same event that is described in that report. In summary, the exact genomic location of this variant is unknown and the impact of this duplication on PRSS2 protein function has not been established. Therefore, it has been classified as a Variant of Unknown Significance.

NC_000007.13:g.(?_142459625)_(142460927_?)dup

Genes: TRB (T cell receptor beta locus; plus strand), PRSS1 (serine protease 1; plus strand). Cytogenetic location: 7q34.
Variant type: Duplication.
Identifiers: ClinVar variation 417553 (VCV000417553.1).